The following is an entry in ClinVar:

NM_015295.3(SMCHD1):c.2543_2544delinsCC (p.Gln848Pro)

Gene: SMCHD1 (structural maintenance of chromosomes flexible hinge domain containing 1; plus strand). Cytogenetic location: 18p11.32.
Variant type: Indel.
Coding change: c.2543_2544delinsCC on transcript NM_015295.3 (MANE Select); coding-DNA positions 2543 to 2544, AG replaced by CC.
Protein change: p.Gln848Pro; replaces glutamine 848 with proline.
Molecular consequence: missense variant.
Genome position (GRCh38, 1-based): chr18:2,722,603-2,722,604, AG replaced by CC. VCF-style: chr18-2722603-AG-CC. GRCh37 (hg19) VCF-style: chr18-2722601-AG-CC.
Other names: short protein forms Q848P.
Identifiers: ClinVar variation 4734033 (VCV004734033.1).

ClinVar aggregate classification (germline): Uncertain significance (1 of 4 stars; one submission).

Conditions:
Facioscapulohumeral muscular dystrophy 2 (FSHD2). Also called: MUSCULAR DYSTROPHY, FACIOSCAPULOHUMERAL, TYPE 1B; FACIOSCAPULOHUMERAL MUSCULAR DYSTROPHY 2, DIGENIC; FSHD2, DIGENIC. Identifiers: Orphanet 269, MedGen C1834671, MONDO:0008031, OMIM 158901.

Submission:

Labcorp Genetics (formerly Invitae), Labcorp
Classification: Uncertain significance for Facioscapulohumeral muscular dystrophy 2. Last evaluated: 2025-12-31. Review status: criteria provided, single submitter. Criteria: Invitae Variant Classification Sherloc (09022015). Collection method: clinical testing. Allele origin: germline.
Comment: This sequence change replaces glutamine, which is neutral and polar, with proline, which is neutral and non-polar, at codon 848 of the SMCHD1 protein (p.Gln848Pro). Information on the frequency of this variant in the gnomAD database is not available, as this variant may be reported differently in the database. This variant has not been reported in the literature in individuals affected with SMCHD1-related conditions. An algorithm developed to predict the effect of missense changes on protein structure and function (PolyPhen-2) suggests that this variant is likely to be disruptive. In summary, the available evidence is currently insufficient to determine the role of this variant in disease. Therefore, it has been classified as a Variant of Uncertain Significance.